The following is an entry in ClinVar:

ClinVar aggregate classification (germline): Likely pathogenic (1 of 4 stars; one submission).

Conditions:
Neurodevelopmental disorder with intention tremor, pyramidal signs, dyspraxia, and ocular anomalies (NEDITPO). Identifiers: MedGen C5774196, MONDO:0859274, OMIM 619995.

Submission:

OLLIN Analises Genomicas, OLLIN
Classification: Likely pathogenic for Neurodevelopmental disorder with intention tremor, pyramidal signs, dyspraxia, and ocular anomalies. Last evaluated: 2026-08-06. Review status: criteria provided, single submitter. Criteria: ACMG Guidelines 2015 PMID 25741868. Collection method: clinical testing. Allele origin: germline. Inheritance: Autosomal recessive inheritance.
Comment: This nonsense variant, located in exon 7 (of 14), has been observed in gnomAD with an allele frequency of 0.00031%, but has not been reported in ClinVar or identified in the literature. This variant introduces a premature stop codon, which is predicted to result in either a truncated protein or degradation of the mRNA via nonsense-mediated decay (NMD). According to the currently available evidence, this variant has been classified as likely pathogenic (PVS1, PM2_P).

NM_019108.4(SMG9):c.742C>T (p.Arg248Ter)

Gene: SMG9 (SMG9 nonsense mediated mRNA decay factor; minus strand). Cytogenetic location: 19q13.31.
Variant type: single nucleotide variant.
Coding change: c.742C>T on transcript NM_019108.4 (MANE Select); coding-DNA position 742, C replaced by T.
Protein change: p.Arg248Ter; replaces arginine 248 with a stop codon.
Molecular consequence: nonsense.
Genome position (GRCh38, 1-based): chr19:43,740,178, G>A on the plus strand (C>T on the coding strand, the complement: SMG9 is on the minus strand). VCF-style: chr19-43740178-G-A. GRCh37 (hg19) VCF-style: chr19-44244330-G-A.
Other names: short protein forms R248*.
Identifiers: ClinVar variation 5002918 (VCV005002918.1).